The following is an entry in ClinVar:

NM_000159.4(GCDH):c.571A>C (p.Met191Leu)

Gene: GCDH (glutaryl-CoA dehydrogenase; plus strand). Cytogenetic location: 19p13.13.
Variant type: single nucleotide variant.
Coding change: c.571A>C on transcript NM_000159.4 (MANE Select); coding-DNA position 571, A replaced by C.
Protein change: p.Met191Leu; replaces methionine 191 with leucine.
Molecular consequence: missense variant. On other transcripts: non-coding transcript variant (2).
Genome position (GRCh38, 1-based): chr19:12,896,057, A>C. VCF-style: chr19-12896057-A-C. GRCh37 (hg19) VCF-style: chr19-13006871-A-C.
Other names: c.571A>C, p.Met191Leu (NM_013976.5); short protein forms M191L.
Identifiers: ClinVar variation 3385291 (VCV003385291.1).
Genomic context (GRCh38, chr19:12,896,057, plus strand): 5'-GGGGAGCTCCTGGGCTGCTTCGGGCTCACAGAGCCCAACAGCGGAAGTGACCCCAGCAGC[A>C]TGGAGACCAGAGCCCACTACAACTCATCCAACAAGAGCTACACCCTCAATGGGACCAAGA-3'
Protein context (NP_000150.1, residues 181-201): EPNSGSDPSS[Met191Leu]ETRAHYNSSN

ClinVar aggregate classification (germline): Uncertain significance (1 of 4 stars; one submission).

Submission:

Women's Health and Genetics/Laboratory Corporation of America, LabCorp
Classification: Uncertain significance. Last evaluated: 2024-10-15. Review status: criteria provided, single submitter. Criteria: LabCorp Variant Classification Summary - May 2015. Collection method: clinical testing. Allele origin: germline.
Comment: Variant summary: GCDH c.571A>C (p.Met191Leu) results in a conservative amino acid change located in the Acyl-CoA oxidase/dehydrogenase, middle domain (IPR006091) of the encoded protein sequence. Three of five in-silico tools predict a damaging effect of the variant on protein function. The variant was absent in 251460 control chromosomes (gnomAD). The available data on variant occurrences in the general population are insufficient to allow any conclusion about variant significance. To our knowledge, no occurrence of c.571A>C in individuals affected with Glutaric Acidemia Type 1 and no experimental evidence demonstrating its impact on protein function have been reported. A different variant affecting the same codon has been classified as pathogenic by our lab (c.572T>C, p.Met191Thr), supporting the critical relevance of codon 191 to GCDH protein function. No submitters have cited clinical-significance assessments for this variant to ClinVar. Based on the evidence outlined above, the variant was classified as uncertain significance.